The following is an entry in ClinVar:

NM_170707.4(LMNA):c.867C>T (p.His289=)

Gene: LMNA (lamin A/C; plus strand). Cytogenetic location: 1q22.
Variant type: single nucleotide variant.
Coding change: c.867C>T on transcript NM_170707.4 (MANE Select); coding-DNA position 867, C replaced by T.
Protein change: p.His289=; no amino-acid change (histidine 289 retained).
Molecular consequence: synonymous variant.
Genome position (GRCh38, 1-based): chr1:156,135,243, C>T. VCF-style: chr1-156135243-C-T. GRCh37 (hg19) VCF-style: chr1-156105034-C-T.
Other names: c.867C>T (NM_170707.3); c.531C>T, p.His177= (NM_001257374.3); c.624C>T, p.His208= (NM_001282624.2); c.867C>T, p.His289= (NM_001282625.2, NM_001282626.2, NM_005572.4 and 1 more transcripts).
Identifiers: ClinVar variation 493053 (VCV000493053.57), dbSNP rs780415585, ClinGen allele CA054567.

ClinVar aggregate classification (germline): Conflicting classifications of pathogenicity. Review status: criteria provided, conflicting classifications (1 of 4 stars). 7 submissions from 7 submitters: Uncertain significance (1); Likely benign (5). 1 of the submissions does not count toward it. Last evaluated 2026-01-26.

Conditions:
LMNA-related disorder. Also called: LMNA-related condition; LMNA-related disease; LMNA-related disorders. Identifiers: MedGen CN380145.
Primary dilated cardiomyopathy (DCM). Also called: Dilated Cardiomyopathy. Identifiers: Orphanet 217604, MedGen C0007193, MeSH D002311, MONDO:0005021, HP:0001644. Inheritance: Various modes of inheritance.
Charcot-Marie-Tooth disease type 2. Also called: Charcot-Marie-Tooth type 2. Identifiers: Orphanet 64746, MedGen C0270914, MONDO:0018993.
Cardiomyopathy (CMYO). Also called: Cardiomyopathies. Identifiers: Orphanet 167848, MedGen C0878544, MONDO:0004994, HP:0001638. Inheritance: Various modes of inheritance.
Cardiovascular phenotype. Identifiers: MedGen CN230736.

Allele frequency attached by ClinVar (database versions not stated): TOPMed below 0.00001; ExAC 0.00002; gnomAD exomes 0.00002.

Submissions (7):

Labcorp Genetics (formerly Invitae), Labcorp
Classification: Likely benign for Charcot-Marie-Tooth disease type 2. Last evaluated: 2026-01-26. Review status: criteria provided, single submitter. Criteria: Invitae Variant Classification Sherloc (09022015). Collection method: clinical testing. Allele origin: germline.

All of Us Research Program, National Institutes of Health
Classification: Likely benign for Primary dilated cardiomyopathy. Last evaluated: 2023-12-13. Review status: criteria provided, single submitter. Criteria: ACMG Guidelines, 2015. Collection method: clinical testing. Allele origin: germline. Inheritance: Autosomal dominant inheritance. Observed: 6 variant alleles, 6 heterozygotes.
Comment: This study involves interpretation of variants in research participants for the purpose of population health screening. Participant phenotype was not available at the time of variant classification. Additional details can be found in publication PMID: 35346344, PMCID: PMC8962531

Blueprint Genetics
Classification: Likely benign. Last evaluated: 2022-01-18. Review status: criteria provided, single submitter. Criteria: ACMG Guidelines, 2015. Collection method: clinical testing. Allele origin: germline.

Ambry Genetics
Classification: Likely benign for Cardiovascular phenotype. Last evaluated: 2021-12-09. Review status: criteria provided, single submitter. Criteria: Ambry Variant Classification Scheme 2023. Collection method: clinical testing. Allele origin: germline.

Color Diagnostics, LLC DBA Color Health
Classification: Likely benign for Cardiomyopathy. Last evaluated: 2019-04-14. Review status: criteria provided, single submitter. Criteria: ACMG Guidelines, 2015. Collection method: clinical testing. Allele origin: germline.

CeGaT Center for Human Genetics Tuebingen
Classification: Uncertain significance. Last evaluated: 2017-08-01. Review status: criteria provided, single submitter. Criteria: CeGaT Center For Human Genetics Tuebingen Variant Classification Criteria Version 2. Collection method: clinical testing. Allele origin: germline. Affected: yes. Observed: 1 variant allele.

PreventionGenetics, part of Exact Sciences
Classification: Likely benign for LMNA-related condition. Last evaluated: 2020-11-20. Review status: no assertion criteria provided. Collection method: clinical testing. Allele origin: germline. Not counted in ClinVar's aggregate classification.
Comment: This variant is classified as likely benign based on ACMG/AMP sequence variant interpretation guidelines (Richards et al. 2015 PMID: 25741868, with internal and published modifications).